The following is an entry in ClinVar:

ClinVar aggregate classification (germline): Uncertain significance (1 of 4 stars; one submission).

Allele frequency attached by ClinVar (database versions not stated): gnomAD exomes below 0.00001; ExAC 0.00002; TOPMed 0.00002.
gnomAD v4.1: 4 of 1,199,527 alleles (0.00033%); highest among the groups gnomAD compares: Non-Finnish European, 0.00045%; no homozygotes.

Submission:

Labcorp Genetics (formerly Invitae), Labcorp
Classification: Uncertain significance. Last evaluated: 2023-10-04. Review status: criteria provided, single submitter. Criteria: Invitae Variant Classification Sherloc (09022015). Collection method: clinical testing. Allele origin: germline.
Comment: This sequence change replaces arginine, which is basic and polar, with histidine, which is basic and polar, at codon 721 of the RBM10 protein (p.Arg721His). The frequency data for this variant in the population databases is considered unreliable, as metrics indicate poor data quality at this position in the gnomAD database. This variant has not been reported in the literature in individuals affected with RBM10-related conditions. Advanced modeling of protein sequence and biophysical properties (such as structural, functional, and spatial information, amino acid conservation, physicochemical variation, residue mobility, and thermodynamic stability) performed at Invitae indicates that this missense variant is not expected to disrupt RBM10 protein function. In summary, the available evidence is currently insufficient to determine the role of this variant in disease. Therefore, it has been classified as a Variant of Uncertain Significance.

NM_005676.5(RBM10):c.2162G>A (p.Arg721His)

Gene: RBM10 (RNA binding motif protein 10; plus strand). Cytogenetic location: Xp11.3.
Variant type: single nucleotide variant.
Coding change: c.2162G>A on transcript NM_005676.5 (MANE Select); coding-DNA position 2162, G replaced by A.
Protein change: p.Arg721His; replaces arginine 721 with histidine.
Molecular consequence: missense variant.
Genome position (GRCh38, 1-based): chrX:47,185,363, G>A. VCF-style: chrX-47185363-G-A. GRCh37 (hg19) VCF-style: chrX-47044762-G-A.
Other names: c.1931G>A, p.Arg644His (NM_001204466.2); c.2159G>A, p.Arg720His (NM_001204467.2); c.2357G>A, p.Arg786His (NM_001204468.2); c.1928G>A, p.Arg643His (NM_152856.3); short protein forms R786H, R643H, R721H, R644H, R720H.
Identifiers: ClinVar variation 2843179 (VCV002843179.3), dbSNP rs782759948, ClinGen allele CA10395421.